The following is an entry in ClinVar:

ClinVar aggregate classification (germline): Likely benign. Review status: criteria provided, multiple submitters, no conflicts (2 of 4 stars). 3 submissions from 3 submitters: Likely benign (3). Last evaluated 2026-01-14.

Submissions (3):

Labcorp Genetics (formerly Invitae), Labcorp
Classification: Likely benign. Last evaluated: 2026-01-14. Review status: criteria provided, single submitter. Criteria: Invitae Variant Classification Sherloc (09022015). Collection method: clinical testing. Allele origin: germline.

Blueprint Genetics
Classification: Likely benign. Last evaluated: 2024-09-18. Review status: criteria provided, single submitter. Criteria: ACMG Guidelines, 2015. Collection method: clinical testing. Allele origin: germline.

CeGaT Center for Human Genetics Tuebingen
Classification: Likely benign. Last evaluated: 2023-06-01. Review status: criteria provided, single submitter. Criteria: CeGaT Center For Human Genetics Tuebingen Variant Classification Criteria Version 2. Collection method: clinical testing. Allele origin: germline. Affected: yes. Observed: 1 variant allele.
Comment: WFS1: BP4, BP7

NM_006005.3(WFS1):c.1134C>T (p.Thr378=)

Gene: WFS1 (wolframin ER transmembrane glycoprotein; plus strand). Cytogenetic location: 4p16.1.
Variant type: single nucleotide variant.
Coding change: c.1134C>T on transcript NM_006005.3 (MANE Select); coding-DNA position 1134, C replaced by T.
Protein change: p.Thr378=; no amino-acid change (threonine 378 retained).
Molecular consequence: synonymous variant.
Genome position (GRCh38, 1-based): chr4:6,300,929, C>T. VCF-style: chr4-6300929-C-T. GRCh37 (hg19) VCF-style: chr4-6302656-C-T.
Other names: c.1134C>T, p.Thr378= (NM_001145853.1).
Identifiers: ClinVar variation 1635821 (VCV001635821.33), dbSNP rs71530904, ClinGen allele CA2839231.
Genomic context (GRCh38, chr4:6,300,929, plus strand): 5'-GATCTGCACCCTCAAGGTGTTCCAGGACAGCAAGGCCTGGGAGAACTTCCGCACCCTCAC[C>T]GACCTGCTGCTGCGCTTCGAGCCCAACCTGGATGTGGAGCAGGCCGAGGTCAACTTCGGC-3'
Protein context (NP_005996.2, residues 368-388): SKAWENFRTL[Thr378=]DLLLRFEPNL